The following is an entry in ClinVar:

ClinVar aggregate classification (germline): Conflicting classifications of pathogenicity. Review status: criteria provided, conflicting classifications (1 of 4 stars). 8 submissions from 8 submitters: Uncertain significance (1); Benign (5); Likely benign (1). 1 of the submissions does not count toward it. Last evaluated 2026-01-31.

Conditions:
Neuromuscular disease caused by qualitative or quantitative defects of dysferlin. Also called: Qualitative or quantitative defects of dysferlin; Dysferlinopathy. Identifiers: Orphanet 207073, MedGen C2931687, MONDO:0016145.
Autosomal recessive limb-girdle muscular dystrophy type 2B (LGMDR2). Also called: MUSCULAR DYSTROPHY, LIMB-GIRDLE, TYPE 3; Limb-girdle muscular dystrophy, type 2B; Limb-Girdle Muscular Dystrophy Type 2B (LGMD2B); MUSCULAR DYSTROPHY, LIMB-GIRDLE, AUTOSOMAL RECESSIVE 2. Identifiers: Orphanet 268, MedGen C1850889, MONDO:0009676, OMIM 253601.

Allele frequency attached by ClinVar (database versions not stated): gnomAD exomes 0.00054 and 0.00148; ExAC 0.00189; gnomAD 0.00565 and 0.00594; 1000 Genomes Project 30x 0.00625; TOPMed 0.00630; ESP Exome Variant Server 0.00684; 1000 Genomes Project 0.00699.
gnomAD v4.1: 1,659 of 1,614,092 alleles (0.1%); highest among the groups gnomAD compares: African/African-American, 2%; 23 homozygotes.

Submissions (8):

Labcorp Genetics (formerly Invitae), Labcorp
Classification: Benign for Neuromuscular disease caused by qualitative or quantitative defects of dysferlin. Last evaluated: 2026-01-31. Review status: criteria provided, single submitter. Criteria: Invitae Variant Classification Sherloc (09022015). Collection method: clinical testing. Allele origin: germline.

Athena Diagnostics
Classification: Benign. Last evaluated: 2025-02-24. Review status: criteria provided, single submitter. Criteria: Athena Diagnostics Criteria. Collection method: clinical testing. Allele origin: unknown.
Comment: The frequency of this variant in the general population is higher than would generally be expected for pathogenic variants in this gene.

Genetic Services Laboratory, University of Chicago
Classification: Benign. Last evaluated: 2021-02-22. Review status: criteria provided, single submitter. Criteria: ACMG Guidelines, 2015. Collection method: clinical testing. Allele origin: germline. Affected: no.

Mayo Clinic Laboratories, Mayo Clinic
Classification: Benign. Last evaluated: 2018-04-05. Review status: criteria provided, single submitter. Criteria: ACMG Guidelines, 2015. Collection method: clinical testing. Allele origin: germline. Observed: 3 variant alleles.

Illumina Laboratory Services, Illumina
Classification: Uncertain significance for Qualitative or quantitative defects of dysferlin. Last evaluated: 2017-04-27. Review status: criteria provided, single submitter. Criteria: ICSL Variant Classification Criteria 13 December 2019. Collection method: clinical testing. Allele origin: germline.

GeneDx
Classification: Benign. Last evaluated: 2016-09-22. Review status: criteria provided, single submitter. Criteria: GeneDx Variant Classification (06012015). Collection method: clinical testing. Allele origin: germline. Affected: yes.
Comment: This variant is considered likely benign or benign based on one or more of the following criteria: it is a conservative change, it occurs at a poorly conserved position in the protein, it is predicted to be benign by multiple in silico algorithms, and/or has population frequency not consistent with disease.

PreventionGenetics, part of Exact Sciences
Classification: Likely benign. Review status: criteria provided, single submitter. Criteria: ACMG Guidelines, 2015. Collection method: clinical testing. Allele origin: germline.

Natera, Inc.
Classification: Likely benign for Limb-girdle muscular dystrophy type 2B. Last evaluated: 2019-12-04. Review status: no assertion criteria provided. Collection method: clinical testing. Allele origin: germline. Not counted in ClinVar's aggregate classification.

Literature cited by the submitters: PubMed 33059327 (cited by Athena Diagnostics).

NM_001130987.2(DYSF):c.3341G>A (p.Arg1114His)

Gene: DYSF (dysferlin; plus strand). Cytogenetic location: 2p13.2.
Variant type: single nucleotide variant.
Coding change: c.3341G>A on transcript NM_001130987.2 (MANE Select); coding-DNA position 3341, G replaced by A.
Protein change: p.Arg1114His; replaces arginine 1114 with histidine.
Molecular consequence: missense variant.
Genome position (GRCh38, 1-based): chr2:71,574,310, G>A. VCF-style: chr2-71574310-G-A. GRCh37 (hg19) VCF-style: chr2-71801440-G-A.
Other names: c.3290G>A, p.Arg1097His (NM_001130455.2, NM_001130983.2); c.3245G>A, p.Arg1082His (NM_001130976.2, NM_001130977.2); c.3287G>A, p.Arg1096His (NM_001130978.2, NM_003494.4); c.3380G>A, p.Arg1127His (NM_001130979.2); c.3338G>A, p.Arg1113His (NM_001130980.2, NM_001130981.2); c.3383G>A, p.Arg1128His (NM_001130982.2); c.3248G>A, p.Arg1083His (NM_001130984.2, NM_001130986.2); c.3341G>A, p.Arg1114His (NM_001130985.2); short protein forms R1096H, R1114H, R1082H, R1097H, R1128H, R1113H, R1083H, R1127H.
Identifiers: ClinVar variation 128947 (VCV000128947.26), dbSNP rs59915619, ClinGen allele CA152663.